The following is an entry in ClinVar:

NM_025137.4(SPG11):c.6988C>T (p.Arg2330Trp)

Gene: SPG11 (SPG11 vesicle trafficking associated, spatacsin; minus strand). Cytogenetic location: 15q21.1.
Variant type: single nucleotide variant.
Coding change: c.6988C>T on transcript NM_025137.4 (MANE Select); coding-DNA position 6988, C replaced by T.
Protein change: p.Arg2330Trp; replaces arginine 2330 with tryptophan.
Molecular consequence: missense variant.
Genome position (GRCh38, 1-based): chr15:44,565,865, G>A on the plus strand (C>T on the coding strand, the complement: SPG11 is on the minus strand). VCF-style: chr15-44565865-G-A. GRCh37 (hg19) VCF-style: chr15-44858063-G-A.
Other names: c.6649C>T, p.Arg2217Trp (NM_001160227.2); short protein forms R2217W, R2330W.
Identifiers: ClinVar variation 649778 (VCV000649778.6), dbSNP rs775295729, ClinGen allele CA7533939.
Genomic context (GRCh38, chr15:44,565,865, plus strand): 5'-AGGAGAGAGGATGCTAGCAGTGCTGGCTACAGTTTGCTTTCTTGCTCACCTGGTAGAACC[G>A]AGGTAGGGCCAGAATACAGTCCATCAGCTTGTGGCGGCCCAAGTTGATGAGCATTGTGTT-3'
Protein context (NP_079413.3, residues 2320-2340): KLMDCILALP[Arg2330Trp]FYQASIVAEA

ClinVar aggregate classification (germline): Uncertain significance. Review status: criteria provided, multiple submitters, no conflicts (2 of 4 stars). 2 submissions from 2 submitters: Uncertain significance (2). Last evaluated 2023-09-22.

Conditions:
Hereditary spastic paraplegia 11. Also called: Spastic Paraplegia 11; SPASTIC PARAPLEGIA, AUTOSOMAL RECESSIVE, COMPLICATED, WITH THIN CORPUS CALLOSUM; SPASTIC PARAPLEGIA, AUTOSOMAL RECESSIVE, WITH MENTAL IMPAIRMENT AND THIN CORPUS CALLOSUM; Spastic paraplegia, mental retardation and thin corpus callosum; Nakamura Osame syndrome; Autosomal recessive hereditary spastic paraplegia, mental impairment, and thin corpus callosum. Identifiers: Orphanet 2822, MedGen C1858479, MONDO:0011445, OMIM 604360.

Allele frequency attached by ClinVar (database versions not stated): gnomAD exomes 0.00001; ExAC 0.00002; TOPMed 0.00002; gnomAD 0.00003 and 0.00004.
gnomAD v4.1: 16 of 1,613,936 alleles (0.00099%); highest among the groups gnomAD compares: Admixed American, 0.0033%; no homozygotes.

Submissions (2):

GeneDx
Classification: Uncertain significance. Last evaluated: 2023-09-22. Review status: criteria provided, single submitter. Criteria: GeneDx Variant Classification Process June 2021. Collection method: clinical testing. Allele origin: germline. Affected: yes.
Comment: Not observed at significant frequency in large population cohorts (gnomAD); In silico analysis supports that this missense variant has a deleterious effect on protein structure/function; Has not been previously published as pathogenic or benign to our knowledge

Labcorp Genetics (formerly Invitae), Labcorp
Classification: Uncertain significance for Hereditary spastic paraplegia 11. Last evaluated: 2022-01-26. Review status: criteria provided, single submitter. Criteria: Invitae Variant Classification Sherloc (09022015). Collection method: clinical testing. Allele origin: germline.
Comment: This sequence change replaces arginine, which is basic and polar, with tryptophan, which is neutral and slightly polar, at codon 2330 of the SPG11 protein (p.Arg2330Trp). This variant is present in population databases (rs775295729, gnomAD 0.006%). This variant has not been reported in the literature in individuals affected with SPG11-related conditions. ClinVar contains an entry for this variant (Variation ID: 649778). Algorithms developed to predict the effect of missense changes on protein structure and function are either unavailable or do not agree on the potential impact of this missense change (SIFT: "Deleterious"; PolyPhen-2: "Benign"; Align-GVGD: "Class C0"). In summary, the available evidence is currently insufficient to determine the role of this variant in disease. Therefore, it has been classified as a Variant of Uncertain Significance.